The following is an entry in ClinVar:

NM_016580.4(PCDH12):c.1975A>C (p.Asn659His)

Genes: PCDH12 (protocadherin 12; minus strand), RNF14 (ring finger protein 14; plus strand). Cytogenetic location: 5q31.3.
Variant type: single nucleotide variant.
Coding change: c.1975A>C on transcript NM_016580.4 (MANE Select); coding-DNA position 1975, A replaced by C.
Protein change: p.Asn659His; replaces asparagine 659 with histidine.
Molecular consequence: missense variant.
Genome position (GRCh38, 1-based): chr5:141,955,877, T>G on the plus strand (A>C on the coding strand, the complement: PCDH12 is on the minus strand). VCF-style: chr5-141955877-T-G. GRCh37 (hg19) VCF-style: chr5-141335442-T-G.
Other names: short protein forms N659H.
Identifiers: ClinVar variation 1482820 (VCV001482820.8), dbSNP rs2126928249, ClinGen allele CA361580323.

ClinVar aggregate classification (germline): Uncertain significance (1 of 4 stars; one submission).

Submission:

Labcorp Genetics (formerly Invitae), Labcorp
Classification: Uncertain significance. Last evaluated: 2022-09-27. Review status: criteria provided, single submitter. Criteria: Invitae Variant Classification Sherloc (09022015). Collection method: clinical testing. Allele origin: germline.
Comment: In summary, the available evidence is currently insufficient to determine the role of this variant in disease. Therefore, it has been classified as a Variant of Uncertain Significance. Advanced modeling of protein sequence and biophysical properties (such as structural, functional, and spatial information, amino acid conservation, physicochemical variation, residue mobility, and thermodynamic stability) performed at Invitae indicates that this missense variant is not expected to disrupt PCDH12 protein function. ClinVar contains an entry for this variant (Variation ID: 1482820). This variant has not been reported in the literature in individuals affected with PCDH12-related conditions. This variant is not present in population databases (gnomAD no frequency). This sequence change replaces asparagine, which is neutral and polar, with histidine, which is basic and polar, at codon 659 of the PCDH12 protein (p.Asn659His).